The following is an entry in ClinVar:

ClinVar aggregate classification (germline): Uncertain significance (1 of 4 stars; one submission).

Submission:

Labcorp Genetics (formerly Invitae), Labcorp
Classification: Uncertain significance. Last evaluated: 2021-08-05. Review status: criteria provided, single submitter. Criteria: Invitae Variant Classification Sherloc (09022015). Collection method: clinical testing. Allele origin: germline.
Comment: This sequence change replaces proline with serine at codon 94 of the RPS20 protein (p.Pro94Ser). The proline residue is highly conserved and there is a moderate physicochemical difference between proline and serine. This variant is not present in population databases (ExAC no frequency). This variant has not been reported in the literature in individuals affected with RPS20-related conditions. Algorithms developed to predict the effect of missense changes on protein structure and function (SIFT, PolyPhen-2, Align-GVGD) all suggest that this variant is likely to be disruptive. In summary, the available evidence is currently insufficient to determine the role of this variant in disease. Therefore, it has been classified as a Variant of Uncertain Significance.

NM_001023.4(RPS20):c.280C>T (p.Pro94Ser)

Gene: RPS20 (ribosomal protein S20; minus strand). Cytogenetic location: 8q12.1.
Variant type: single nucleotide variant.
Coding change: c.280C>T on transcript NM_001023.4 (MANE Select); coding-DNA position 280, C replaced by T.
Protein change: p.Pro94Ser; replaces proline 94 with serine.
Molecular consequence: missense variant.
Genome position (GRCh38, 1-based): chr8:56,073,170, G>A on the plus strand (C>T on the coding strand, the complement: RPS20 is on the minus strand). VCF-style: chr8-56073170-G-A. GRCh37 (hg19) VCF-style: chr8-56985729-G-A.
Other names: c.280C>T, p.Pro94Ser (NM_001146227.3); short protein forms P94S.
Identifiers: ClinVar variation 1414621 (VCV001414621.6), dbSNP rs2129213097, ClinGen allele CA371282779.